The following is an entry in ClinVar:

ClinVar aggregate classification (germline): Conflicting classifications of pathogenicity. Review status: criteria provided, conflicting classifications (1 of 4 stars). 2 submissions from 2 submitters: Pathogenic (1); Uncertain significance (1). Last evaluated 2022-05-27.

Conditions:
Atrophy/Degeneration affecting the central nervous system. Identifiers: MedGen C4024899, HP:0007367.
Intellectual disability. Also called: intellectual disabilities; Intellectual functioning disability; Intellectual developmental disorder. Identifiers: MedGen C3714756, MeSH D008607, MONDO:0001071, HP:0001249.
Seizure. Also called: Seizures. Identifiers: MedGen C0036572, HP:0001250.

Submissions (2):

GeneDx
Classification: Uncertain significance. Last evaluated: 2022-05-27. Review status: criteria provided, single submitter. Criteria: GeneDx Variant Classification Process June 2021. Collection method: clinical testing. Allele origin: germline. Affected: yes.
Comment: Not observed at significant frequency in large population cohorts (gnomAD); In silico analysis supports that this missense variant has a deleterious effect on protein structure/function; Has not been previously published in the peer-reviewed literature as pathogenic or benign to our knowledge; Variants in candidate genes are classified as variants of uncertain significance in accordance with ACMG guidelines (Richards et al., 2015); This variant is associated with the following publications: (PMID: FasanoG2021[Functionalstudy])

Tartaglia Lab, Genetics and Rare Diseases Research Division, Bambino Gesu' Children's Hospital
Classification: Pathogenic for Intellectual disability; Atrophy/Degeneration affecting the central nervous system; Seizure. Review status: criteria provided, single submitter. Criteria: ACMG Guidelines, 2015. Collection method: research. Allele origin: de novo. Affected: yes.

NM_001659.3(ARF3):c.139C>T (p.Pro47Ser)

Gene: ARF3 (ARF GTPase 3; minus strand). Cytogenetic location: 12q13.12.
Variant type: single nucleotide variant.
Coding change: c.139C>T on transcript NM_001659.3 (MANE Select); coding-DNA position 139, C replaced by T.
Protein change: p.Pro47Ser; replaces proline 47 with serine.
Molecular consequence: missense variant.
Genome position (GRCh38, 1-based): chr12:48,940,957, G>A on the plus strand (C>T on the coding strand, the complement: ARF3 is on the minus strand). VCF-style: chr12-48940957-G-A. GRCh37 (hg19) VCF-style: chr12-49334740-G-A.
Other names: c.139C>T (NM_001659.2); short protein forms P47S.
Identifiers: ClinVar variation 1697210 (VCV001697210.3), dbSNP rs2498897350, ClinGen allele CA384659515.